The following is an entry in ClinVar:

NM_002474.3(MYH11):c.2387T>C (p.Met796Thr)

Gene: MYH11 (myosin heavy chain 11; minus strand). Cytogenetic location: 16p13.11.
Variant type: single nucleotide variant.
Coding change: c.2387T>C on transcript NM_002474.3 (MANE Select); coding-DNA position 2387, T replaced by C.
Protein change: p.Met796Thr; replaces methionine 796 with threonine.
Molecular consequence: missense variant.
Genome position (GRCh38, 1-based): chr16:15,747,594, A>G on the plus strand (T>C on the coding strand, the complement: MYH11 is on the minus strand). VCF-style: chr16-15747594-A-G. GRCh37 (hg19) VCF-style: chr16-15841451-A-G.
Other names: c.2408T>C, p.Met803Thr (NM_001040113.2, NM_001040114.2); c.2387T>C, p.Met796Thr (NM_022844.3); short protein forms M803T, M796T.
Identifiers: ClinVar variation 2966402 (VCV002966402.4), dbSNP rs746070372, ClinGen allele CA7922302.
Genomic context (GRCh38, chr16:15,747,594, plus strand): 5'-CGTTTGAGGTATTAGGATGCAGGAAAGCATCTTTACTTTCTGGCCAAGTAGCCACGACAC[A>G]TCGCCTGGAAGGCCATGATGACATCGGTGATCTTCAAATCTCGCTCCTCCTCTAGGTGGG-3'
Protein context (NP_002465.1, residues 786-806): ITDVIMAFQA[Met796Thr]CRGYLARKAF

ClinVar aggregate classification (germline): Uncertain significance. Review status: criteria provided, multiple submitters, no conflicts (2 of 4 stars). 2 submissions from 2 submitters: Uncertain significance (2). Last evaluated 2024-02-14.

Conditions:
Aortic aneurysm, familial thoracic 4 (AAT4). Also called: AORTIC ANEURYSM/AORTIC DISSECTION AND PATENT DUCTUS ARTERIOSUS. Identifiers: MedGen C1851504, MONDO:0007568, OMIM 132900.
Familial thoracic aortic aneurysm and aortic dissection (TAAD). Also called: Thoracic aortic aneurysms and dissections. Identifiers: Orphanet 91387, MedGen C4707243, MONDO:0019625.

Allele frequency attached by ClinVar (database versions not stated): TOPMed below 0.00001; ExAC 0.00001; gnomAD 0.00001; gnomAD exomes 0.00001.
gnomAD v4.1: 4 of 1,613,890 alleles (0.00025%); highest among the groups gnomAD compares: Non-Finnish European, 0.00034%; no homozygotes.

Submissions (2):

Ambry Genetics
Classification: Uncertain significance for Familial thoracic aortic aneurysm and aortic dissection. Last evaluated: 2024-02-14. Review status: criteria provided, single submitter. Criteria: Ambry Variant Classification Scheme 2023. Collection method: clinical testing. Allele origin: germline.

Labcorp Genetics (formerly Invitae), Labcorp
Classification: Uncertain significance for Aortic aneurysm, familial thoracic 4. Last evaluated: 2023-02-17. Review status: criteria provided, single submitter. Criteria: Invitae Variant Classification Sherloc (09022015). Collection method: clinical testing. Allele origin: germline.
Comment: This variant is present in population databases (rs746070372, gnomAD 0.002%). This sequence change replaces methionine, which is neutral and non-polar, with threonine, which is neutral and polar, at codon 803 of the MYH11 protein (p.Met803Thr). This variant has not been reported in the literature in individuals affected with MYH11-related conditions. In summary, the available evidence is currently insufficient to determine the role of this variant in disease. Therefore, it has been classified as a Variant of Uncertain Significance. Advanced modeling of protein sequence and biophysical properties (such as structural, functional, and spatial information, amino acid conservation, physicochemical variation, residue mobility, and thermodynamic stability) performed at Invitae indicates that this missense variant is not expected to disrupt MYH11 protein function.